The following is an entry in ClinVar:

ClinVar aggregate classification (germline): Conflicting classifications of pathogenicity. Review status: criteria provided, conflicting classifications (1 of 4 stars). 5 submissions from 5 submitters: Uncertain significance (4); Likely benign (1). Last evaluated 2024-01-26.

Conditions:
Fanconi anemia complementation group D1. Also called: BRCA2-Related Fanconi Anemia. Identifiers: Orphanet 319462, MedGen C1838457, MONDO:0011584, OMIM 605724.
Breast-ovarian cancer, familial, susceptibility to, 2 (BROVCA2). Also called: BRCA2 Hereditary Breast and Ovarian Cancer. Identifiers: Orphanet 145, MedGen C2675520, MONDO:0012933, OMIM 612555. Disease mechanism: loss of function.
Familial cancer of breast. Also called: BREAST CANCER, FAMILIAL; hereditary breast carcinoma; Hereditary breast cancer. Identifiers: Orphanet 227535, MedGen C0346153, MONDO:0016419, OMIM 114480. Disease mechanism: loss of function.
Hereditary breast ovarian cancer syndrome. Also called: Hereditary breast and ovarian cancer syndrome; Hereditary breast and ovarian cancer syndrome (HBOC); BRCA1- and BRCA2-Associated Hereditary Breast and Ovarian Cancer; Hereditary breast and ovarian cancer; Breast and ovarian cancer; Hereditary breast and/or ovarian cancer syndrome. Identifiers: Orphanet 145, MedGen C0677776, MeSH D061325, MONDO:0003582. Disease mechanism: loss of function.
Hereditary cancer-predisposing syndrome. Also called: Neoplastic Syndromes, Hereditary; Hereditary neoplastic syndrome; Tumor predisposition; Hereditary Cancer Syndrome. Identifiers: Orphanet 140162, MedGen C0027672, MeSH D009386, MONDO:0015356.

Allele frequency attached by ClinVar (database versions not stated): gnomAD exomes below 0.00001 and 0.00002; ExAC 0.00003.
gnomAD v4.1: 4 of 1,599,068 alleles (0.00025%); highest among the groups gnomAD compares: South Asian, 0.0034%; no homozygotes.

Submissions (5):

Ambry Genetics
Classification: Uncertain significance for Hereditary cancer-predisposing syndrome. Last evaluated: 2024-01-26. Review status: criteria provided, single submitter. Criteria: Ambry Variant Classification Scheme 2023. Collection method: clinical testing. Allele origin: germline.
Comment: The p.K1108T variant (also known as c.3323A>C), located in coding exon 10 of the BRCA2 gene, results from an A to C substitution at nucleotide position 3323. The lysine at codon 1108 is replaced by threonine, an amino acid with similar properties. This amino acid position is well conserved in available vertebrate species. In addition, the in silico prediction for this alteration is inconclusive. Based on the available evidence, the clinical significance of this alteration remains unclear.

Department of Pathology and Laboratory Medicine, Sinai Health System
Classification: Uncertain significance for Familial cancer of breast; Breast-ovarian cancer, familial, susceptibility to, 2. Last evaluated: 2023-04-17. Review status: criteria provided, single submitter. Criteria: ACMG Guidelines, 2015. Collection method: clinical testing. Allele origin: germline. Affected: yes.

University of Washington Department of Laboratory Medicine, University of Washington
Classification: Likely benign for Hereditary cancer-predisposing syndrome. Last evaluated: 2023-03-23. Review status: criteria provided, single submitter. Criteria: Dines et al. (Genet Med. 2020). Collection method: curation. Allele origin: germline.
Comment: Missense variant in a coldspot region where missense variants are very unlikely to be pathogenic (PMID:31911673).

BRCA2 exon 11 coldspot. Reclassification based on statistical prior probability.

Labcorp Genetics (formerly Invitae), Labcorp
Classification: Uncertain significance for Hereditary breast ovarian cancer syndrome. Last evaluated: 2017-10-12. Review status: criteria provided, single submitter. Criteria: Invitae Variant Classification Sherloc (09022015). Collection method: clinical testing. Allele origin: germline.
Comment: This sequence change replaces lysine with threonine at codon 1108 of the BRCA2 protein (p.Lys1108Thr). The lysine residue is highly conserved and there is a moderate physicochemical difference between lysine and threonine. This variant is present in population databases (rs765232270, ExAC 0.02%). This variant has not been reported in the literature in individuals with BRCA2-related disease. Algorithms developed to predict the effect of missense changes on protein structure and function output the following: SIFT: "Deleterious"; PolyPhen-2: "Possibly Damaging"; Align-GVGD: "Class C0". The threonine amino acid residue is found in multiple mammalian species, suggesting that this missense change does not adversely affect protein function. These predictions have not been confirmed by published functional studies and their clinical significance is uncertain. In summary, the available evidence is currently insufficient to determine the role of this variant in disease. Therefore, it has been classified as a Variant of Uncertain Significance.

Neuberg Centre For Genomic Medicine, NCGM
Classification: Uncertain significance for Fanconi anemia complementation group D1. Review status: criteria provided, single submitter. Criteria: ACMG Guidelines, 2015. Collection method: clinical testing. Allele origin: germline. Inheritance: Autosomal recessive inheritance. Affected: yes.
Comment: The missense variant c.3323A>C (p.Lys1108Thr) in BRCA2 (NM_000059.4) has been submitted to ClinVar as a Variant of Uncertain Significance (VUS), but no details are available for independent assessment. This variant is reported with the allele frequency (0.0017 %) in the gnomad and novel in 1000 genome database. The amino acid Lys at position 1108 is changed to a Thr changing protein sequence and it might alter its composition and physico-chemical properties. The amino acid change p.Lys1108Thr in BRCA2 is predicted as conserved by GERP++ and PhyloP across 100 vertebrates. For these reasons, this variant has been classified as Uncertain Significance (VUS).

NM_000059.4(BRCA2):c.3323A>C (p.Lys1108Thr)

Gene: BRCA2 (BRCA2 DNA repair associated; plus strand). Cytogenetic location: 13q13.1.
Variant type: single nucleotide variant.
Coding change: c.3323A>C on transcript NM_000059.4 (MANE Select); coding-DNA position 3323, A replaced by C.
Protein change: p.Lys1108Thr; replaces lysine 1108 with threonine.
Molecular consequence: missense variant.
Genome position (GRCh38, 1-based): chr13:32,337,678, A>C. VCF-style: chr13-32337678-A-C. GRCh37 (hg19) VCF-style: chr13-32911815-A-C.
Other names: short protein forms K1108T.
Identifiers: ClinVar variation 531429 (VCV000531429.12), dbSNP rs765232270, ClinGen allele CA6940687.